The following is an entry in ClinVar:

NM_000535.7(PMS2):c.1979C>T (p.Ala660Val)

Gene: PMS2 (PMS1 homolog 2, mismatch repair system component; minus strand). Cytogenetic location: 7p22.1.
Variant type: single nucleotide variant.
Coding change: c.1979C>T on transcript NM_000535.7 (MANE Select); coding-DNA position 1979, C replaced by T.
Protein change: p.Ala660Val; replaces alanine 660 with valine.
Molecular consequence: missense variant. On other transcripts: non-coding transcript variant (1).
Genome position (GRCh38, 1-based): chr7:5,986,786, G>A on the plus strand (C>T on the coding strand, the complement: PMS2 is on the minus strand). VCF-style: chr7-5986786-G-A. GRCh37 (hg19) VCF-style: chr7-6026417-G-A.
Other names: c.1574C>T, p.Ala525Val (NM_001018040.1, NM_001322003.2, NM_001322004.2 and 17 more transcripts); c.1823C>T, p.Ala608Val (NM_001322006.2, NM_001406870.1); c.1661C>T, p.Ala554Val (NM_001322007.2, NM_001322008.2, NM_001406876.1 and 2 more transcripts); c.1418C>T, p.Ala473Val (NM_001322010.2, NM_001406906.1, NM_001406907.1); c.1046C>T, p.Ala349Val (NM_001322011.2, NM_001322012.2); c.1406C>T, p.Ala469Val (NM_001322013.2, NM_001406909.1); c.1979C>T, p.Ala660Val (NM_001322014.2, NM_001406871.1, NM_001406872.1); c.1670C>T, p.Ala557Val (NM_001322015.2, NM_001406875.1, NM_001406877.1 and 5 more transcripts); and 12 more; short protein forms A349V, A403V, A489V, A525V, A548V, A660V, A502V, A538V.
Identifiers: ClinVar variation 1783763 (VCV001783763.2), dbSNP rs2128720242, ClinGen allele CA366738977.

ClinVar aggregate classification (germline): Uncertain significance (1 of 4 stars; one submission).

Conditions:
Hereditary cancer-predisposing syndrome. Also called: Neoplastic Syndromes, Hereditary; Tumor predisposition; Hereditary Cancer Syndrome; Hereditary neoplastic syndrome. Identifiers: Orphanet 140162, MedGen C0027672, MeSH D009386, MONDO:0015356.

Submission:

Ambry Genetics
Classification: Uncertain significance for Hereditary cancer-predisposing syndrome. Last evaluated: 2019-02-19. Review status: criteria provided, single submitter. Criteria: Ambry Variant Classification Scheme 2023. Collection method: clinical testing. Allele origin: germline.
Comment: The p.A660V variant (also known as c.1979C>T), located in coding exon 11 of the PMS2 gene, results from a C to T substitution at nucleotide position 1979. The alanine at codon 660 is replaced by valine, an amino acid with similar properties. This amino acid position is highly conserved in available vertebrate species. In addition, the in silico prediction for this alteration is inconclusive. Since supporting evidence is limited at this time, the clinical significance of this alteration remains unclear.